The following is an entry in ClinVar:

ClinVar aggregate classification (germline): Likely benign. Review status: criteria provided, multiple submitters, no conflicts (2 of 4 stars). 5 submissions from 5 submitters: Likely benign (4). 1 of the submissions does not count toward it. Last evaluated 2026-01-14.

Conditions:
GZF1-related disorder. Also called: GZF1-related condition.

Allele frequency attached by ClinVar (database versions not stated): 1000 Genomes Project 30x 0.00031; 1000 Genomes Project 0.00040; ESP Exome Variant Server 0.00092.
gnomAD v4.1: 1,968 of 1,614,230 alleles (0.12%); highest among the groups gnomAD compares: Non-Finnish European, 0.16%; 2 homozygotes.

Submissions (5):

Labcorp Genetics (formerly Invitae), Labcorp
Classification: Likely benign. Last evaluated: 2026-01-14. Review status: criteria provided, single submitter. Criteria: Invitae Variant Classification Sherloc (09022015). Collection method: clinical testing. Allele origin: germline.

Blueprint Genetics
Classification: Likely benign. Last evaluated: 2024-11-25. Review status: criteria provided, single submitter. Criteria: ACMG Guidelines, 2015. Collection method: clinical testing. Allele origin: germline.

CeGaT Center for Human Genetics Tuebingen
Classification: Likely benign. Last evaluated: 2024-04-01. Review status: criteria provided, single submitter. Criteria: CeGaT Center For Human Genetics Tuebingen Variant Classification Criteria Version 2. Collection method: clinical testing. Allele origin: germline. Affected: yes. Observed: 2 variant alleles.
Comment: GZF1: BP4

Breakthrough Genomics
Classification: Likely benign. Review status: criteria provided, single submitter. Criteria: ACMG Guidelines, 2015. Collection method: not provided. Allele origin: germline. Inheritance: Autosomal recessive inheritance. Affected: yes.

PreventionGenetics, part of Exact Sciences
Classification: Likely benign for GZF1-related condition. Last evaluated: 2022-03-10. Review status: no assertion criteria provided. Collection method: clinical testing. Allele origin: germline. Not counted in ClinVar's aggregate classification.
Comment: This variant is classified as likely benign based on ACMG/AMP sequence variant interpretation guidelines (Richards et al. 2015 PMID: 25741868, with internal and published modifications).

NM_022482.5(GZF1):c.90G>A (p.Leu30=)

Gene: GZF1 (GDNF inducible zinc finger protein 1; plus strand). Cytogenetic location: 20p11.21.
Variant type: single nucleotide variant.
Coding change: c.90G>A on transcript NM_022482.5 (MANE Select); coding-DNA position 90, G replaced by A.
Protein change: p.Leu30=; no amino-acid change (leucine 30 retained).
Molecular consequence: synonymous variant.
Genome position (GRCh38, 1-based): chr20:23,364,473, G>A. VCF-style: chr20-23364473-G-A. GRCh37 (hg19) VCF-style: chr20-23345110-G-A.
Other names: c.90G>A (NM_022482.4); c.90G>A, p.Leu30= (NM_001317012.2, NM_001317019.1).
Identifiers: ClinVar variation 1649659 (VCV001649659.30), dbSNP rs150491728, ClinGen allele CA9788461.